The following is an entry in ClinVar:

NM_000138.5(FBN1):c.4999G>C (p.Val1667Leu)

Gene: FBN1 (fibrillin 1; minus strand). Cytogenetic location: 15q21.1.
Variant type: single nucleotide variant.
Coding change: c.4999G>C on transcript NM_000138.5 (MANE Select); coding-DNA position 4999, G replaced by C.
Protein change: p.Val1667Leu; replaces valine 1667 with leucine.
Molecular consequence: missense variant.
Genome position (GRCh38, 1-based): chr15:48,463,965, C>G on the plus strand (G>C on the coding strand, the complement: FBN1 is on the minus strand). VCF-style: chr15-48463965-C-G. GRCh37 (hg19) VCF-style: chr15-48756162-C-G.
Other names: c.4999G>C, p.Val1667Leu (NM_001406716.1); short protein forms V1667L.
Identifiers: ClinVar variation 3069760 (VCV003069760.4), dbSNP rs140626, ClinGen allele CA269548278.

ClinVar aggregate classification (germline): Conflicting classifications of pathogenicity. Review status: criteria provided, conflicting classifications (1 of 4 stars). 3 submissions from 3 submitters: Uncertain significance (2); Likely benign (1). Last evaluated 2025-05-05.

Conditions:
Marfan syndrome (MFS). Also called: MARFAN SYNDROME, TYPE I; Marfan syndrome type 1; Marfan's syndrome; Marfan syndrome, classic; FBN1-Related Marfan Syndrome. Identifiers: Orphanet 284963, Orphanet 558, MedGen C0024796, MONDO:0007947, OMIM 154700.
Familial thoracic aortic aneurysm and aortic dissection (TAAD). Also called: Thoracic aortic aneurysms and dissections. Identifiers: Orphanet 91387, MedGen C4707243, MONDO:0019625.

gnomAD v4.1: 4 of 1,613,568 alleles (0.00025%); highest among the groups gnomAD compares: Admixed American, 0.0067%; no homozygotes.

Submissions (3):

Labcorp Genetics (formerly Invitae), Labcorp
Classification: Likely benign for Marfan syndrome; Familial thoracic aortic aneurysm and aortic dissection. Last evaluated: 2025-05-05. Review status: criteria provided, single submitter. Criteria: Invitae Variant Classification Sherloc (09022015). Collection method: clinical testing. Allele origin: germline.

GeneDx
Classification: Uncertain significance. Last evaluated: 2025-02-27. Review status: criteria provided, single submitter. Criteria: GeneDx Variant Classification Process June 2021. Collection method: clinical testing. Allele origin: germline. Affected: yes.
Comment: Not observed at significant frequency in large population cohorts (gnomAD); In silico analysis indicates that this missense variant does not alter protein structure/function; Has not been previously published as pathogenic or benign to our knowledge; Does not affect a cysteine or calcium-binding residue within an EGF-like domain or a TGF-binding protein domain of the FBN1 gene; cysteine substitutions in the EGF-like domains represent the majority of pathogenic missense changes associated with FBN1-related disorders (PMID: 12938084); This variant is associated with the following publications: (PMID: 12938084)

All of Us Research Program, National Institutes of Health
Classification: Uncertain significance for Marfan syndrome. Last evaluated: 2023-03-07. Review status: criteria provided, single submitter. Criteria: ACMG Guidelines, 2015. Collection method: clinical testing. Allele origin: germline. Inheritance: Autosomal dominant inheritance. Observed: 1 variant allele, 1 heterozygote.
Comment: This missense variant replaces valine with leucine at codon 1667 of the FBN1 protein. Computational prediction suggests that this variant may not impact protein structure and function (internally defined REVEL score threshold <= 0.5, PMID: 27666373). To our knowledge, functional studies have not been reported for this variant. This variant has not been reported in individuals affected with FBN1-related disorders in the literature. This variant has been identified in 1/251208 chromosomes in the general population by the Genome Aggregation Database (gnomAD). The available evidence is insufficient to determine the role of this variant in disease conclusively. Therefore, this variant is classified as a Variant of Uncertain Significance.

This study involves interpretation of variants in research participants for the purpose of population health screening. Participant phenotype was not available at the time of variant classification. Additional details can be found in publication PMID: 35346344, PMCID: PMC8962531